The following is an entry in ClinVar:

NM_018062.4(FANCL):c.97-7T>C

Gene: FANCL (FA complementation group L; minus strand). Cytogenetic location: 2p16.1.
Variant type: single nucleotide variant.
Coding change: c.97-7T>C on transcript NM_018062.4 (MANE Select); 7 bases into the intron before coding-DNA position 97, T replaced by C.
Molecular consequence: intron variant.
Genome position (GRCh38, 1-based): chr2:58,232,119, A>G on the plus strand (T>C on the coding strand, the complement: FANCL is on the minus strand). VCF-style: chr2-58232119-A-G. GRCh37 (hg19) VCF-style: chr2-58459254-A-G.
Other names: c.97-7T>C (NM_001374615.1, NM_001114636.2, NM_001410792.1).
Identifiers: ClinVar variation 2415243 (VCV002415243.7), dbSNP rs551828597, ClinGen allele CA1670797.

ClinVar aggregate classification (germline): Conflicting classifications of pathogenicity. Review status: criteria provided, conflicting classifications (1 of 4 stars). 2 submissions from 2 submitters: Uncertain significance (1); Likely benign (1). Last evaluated 2025-10-22.

Conditions:
Fanconi anemia (FA). Also called: Fanconi's anemia. Identifiers: Orphanet 84, MedGen C0015625, MeSH D005199, MONDO:0019391.

Allele frequency attached by ClinVar (database versions not stated): ExAC 0.00001; gnomAD exomes 0.00001; gnomAD 0.00005; TOPMed 0.00006; 1000 Genomes Project 0.00020; 1000 Genomes Project 30x 0.00031.
gnomAD v4.1: 20 of 1,611,468 alleles (0.0012%); highest among the groups gnomAD compares: African/African-American, 0.024%; no homozygotes.

Submissions (2):

Labcorp Genetics (formerly Invitae), Labcorp
Classification: Likely benign for Fanconi anemia. Last evaluated: 2025-10-22. Review status: criteria provided, single submitter. Criteria: Invitae Variant Classification Sherloc (09022015). Collection method: clinical testing. Allele origin: germline.

GeneDx
Classification: Uncertain significance. Last evaluated: 2023-03-21. Review status: criteria provided, single submitter. Criteria: GeneDx Variant Classification Process June 2021. Collection method: clinical testing. Allele origin: germline. Affected: yes.
Comment: In silico analysis supports that this variant does not alter splicing; Has not been previously published as pathogenic or benign to our knowledge